The following is an entry in ClinVar:

ClinVar aggregate classification (germline): Uncertain significance (1 of 4 stars; one submission).

Submission:

Labcorp Genetics (formerly Invitae), Labcorp
Classification: Uncertain significance. Last evaluated: 2023-07-06. Review status: criteria provided, single submitter. Criteria: Invitae Variant Classification Sherloc (09022015). Collection method: clinical testing. Allele origin: germline.
Comment: This variant has not been reported in the literature in individuals affected with HMCN1-related conditions. In summary, the available evidence is currently insufficient to determine the role of this variant in disease. Therefore, it has been classified as a Variant of Uncertain Significance. Algorithms developed to predict the effect of missense changes on protein structure and function output the following: SIFT: "Not Available"; PolyPhen-2: "Benign"; Align-GVGD: "Not Available". The glutamine amino acid residue is found in multiple mammalian species, which suggests that this missense change does not adversely affect protein function. This variant is not present in population databases (gnomAD no frequency). This sequence change replaces histidine, which is basic and polar, with glutamine, which is neutral and polar, at codon 2816 of the HMCN1 protein (p.His2816Gln).

NM_031935.3(HMCN1):c.8448C>G (p.His2816Gln)

Gene: HMCN1 (hemicentin 1; plus strand). Cytogenetic location: 1q31.1.
Variant type: single nucleotide variant.
Coding change: c.8448C>G on transcript NM_031935.3 (MANE Select); coding-DNA position 8448, C replaced by G.
Protein change: p.His2816Gln; replaces histidine 2816 with glutamine.
Molecular consequence: missense variant.
Genome position (GRCh38, 1-based): chr1:186,076,585, C>G. VCF-style: chr1-186076585-C-G. GRCh37 (hg19) VCF-style: chr1-186045717-C-G.
Other names: short protein forms H2816Q.
Identifiers: ClinVar variation 2735954 (VCV002735954.3), dbSNP rs2527833665, ClinGen allele CA343913087.